The following is an entry in ClinVar:

NM_138694.4(PKHD1):c.5830G>A (p.Asp1944Asn)

Gene: PKHD1 (PKHD1 ciliary IPT domain containing fibrocystin/polyductin; minus strand). Cytogenetic location: 6p12.2.
Variant type: single nucleotide variant.
Coding change: c.5830G>A on transcript NM_138694.4 (MANE Select); coding-DNA position 5830, G replaced by A.
Protein change: p.Asp1944Asn; replaces aspartic acid 1944 with asparagine.
Molecular consequence: missense variant.
Genome position (GRCh38, 1-based): chr6:51,959,948, C>T on the plus strand (G>A on the coding strand, the complement: PKHD1 is on the minus strand). VCF-style: chr6-51959948-C-T. GRCh37 (hg19) VCF-style: chr6-51824746-C-T.
Other names: p.Asp1944Asn; c.5830G>A, p.Asp1944Asn (NM_170724.3); short protein forms D1944N.
Identifiers: ClinVar variation 862704 (VCV000862704.21), dbSNP rs774290802, ClinGen allele CA3852418.

ClinVar aggregate classification (germline): Pathogenic/Likely pathogenic. Review status: criteria provided, multiple submitters, no conflicts (2 of 4 stars). 9 submissions from 9 submitters: Pathogenic (2); Likely pathogenic (5). 2 of the submissions do not count toward it. Last evaluated 2026-01-14.

Conditions:
Polycystic kidney disease 4 (PKD4). Also called: PKD3; POLYCYSTIC KIDNEY AND HEPATIC DISEASE 1; POLYCYSTIC KIDNEY DISEASE, INFANTILE, TYPE I; Autosomal Recessive Polycystic Kidney Disease – PKHD1; POLYCYSTIC KIDNEY DISEASE 4 WITH OR WITHOUT POLYCYSTIC LIVER DISEASE. Identifiers: MedGen C4540575, MONDO:0033004, OMIM 263200.
PKHD1-related disorder. Also called: PKHD1-related condition.
Autosomal recessive polycystic kidney disease (ARPKD). Also called: AR polycystic kidney disease. Identifiers: Orphanet 731, Orphanet 8378, MedGen C0085548, MeSH D017044, MONDO:0009889.

Allele frequency attached by ClinVar (database versions not stated): ExAC 0.00002; gnomAD 0.00002 and 0.00003; gnomAD exomes 0.00002; TOPMed 0.00003.
gnomAD v4.1: 26 of 1,613,352 alleles (0.0016%); highest among the groups gnomAD compares: African/African-American, 0.004%; no homozygotes.

Submissions (9):

Dasa
Classification: Likely pathogenic. Last evaluated: 2026-01-14. Review status: criteria provided, single submitter. Criteria: DASA Assertion Criteria. Collection method: clinical testing. Allele origin: germline.
Comment: NM_138694.4(PKHD1):c.5830G>A (p.Asp1944Asn) is a missense variant that results in the substitution of aspartic acid with asparagine. This variant has been recurrently observed in individuals with PKHD1-related disorders (PMID: 26673778; PMID: 27225849; PMID: 26139440; PMID: 33940108). Also, this variant is rare in population databases. Based on the currently available evidence, this variant is classified as likely pathogenic.

Labcorp Genetics (formerly Invitae), Labcorp
Classification: Pathogenic for Autosomal recessive polycystic kidney disease. Last evaluated: 2025-11-08. Review status: criteria provided, single submitter. Criteria: Invitae Variant Classification Sherloc (09022015). Collection method: clinical testing. Allele origin: germline.
Comment: This sequence change replaces aspartic acid, which is acidic and polar, with asparagine, which is neutral and polar, at codon 1944 of the PKHD1 protein (p.Asp1944Asn). This variant is present in population databases (rs774290802, gnomAD 0.007%). This missense change has been observed in individual(s) with polycystic kidney disease (PMID: 26673778, 27225849). In at least one individual the data is consistent with being in trans (on the opposite chromosome) from a pathogenic variant. ClinVar contains an entry for this variant (Variation ID: 862704). Invitae Evidence Modeling of protein sequence and biophysical properties (such as structural, functional, and spatial information, amino acid conservation, physicochemical variation, residue mobility, and thermodynamic stability) indicates that this missense variant is expected to disrupt PKHD1 protein function with a positive predictive value of 95%. For these reasons, this variant has been classified as Pathogenic.

Natera, Inc.
Classification: Likely pathogenic for Autosomal recessive polycystic kidney disease. Last evaluated: 2025-09-11. Review status: criteria provided, single submitter. Criteria: Natera Variant Classification Schema (03/2026). Collection method: clinical testing. Allele origin: germline.
Comment: The c.5830G>A variant in PKHD1 is a missense variant predicted to cause substitution of aspartic acid to asparagine at amino acid 1944. This variant is rare in the general population with a frequency below the threshold expected for the associated phenotype(s). This variant has been observed in one or more individuals affected with the associated recessive disease, as either homozygous or compound heterozygous with a second variant (PMID: 27225849, 26673778). Computational prediction algorithms indicate this variant is likely to affect gene or protein function. Given the available evidence, this variant is classified as Likely Pathogenic.

Fulgent Genetics
Classification: Likely pathogenic for Polycystic kidney disease 4. Last evaluated: 2024-05-08. Review status: criteria provided, single submitter. Criteria: ACMG Guidelines, 2015. Collection method: clinical testing. Allele origin: germline.

Blueprint Genetics
Classification: Pathogenic for PKHD1-related disorders. Last evaluated: 2024-04-24. Review status: criteria provided, single submitter. Criteria: ACMG Guidelines, 2015. Collection method: clinical testing. Allele origin: germline. Affected: yes. Observed: 5 variant alleles.

Mayo Clinic Laboratories, Mayo Clinic
Classification: Likely pathogenic. Last evaluated: 2023-10-05. Review status: criteria provided, single submitter. Criteria: ACMG Guidelines, 2015. Collection method: clinical testing. Allele origin: germline. Observed: 1 variant allele.
Comment: PM2, PM3_very_strong

Department of Pathology and Laboratory Medicine, Sinai Health System
Classification: Likely pathogenic for Polycystic kidney disease 4. Last evaluated: 2022-08-02. Review status: criteria provided, single submitter. Criteria: ACMG Guidelines, 2015. Collection method: clinical testing. Allele origin: germline. Affected: yes.

Genetic Services Laboratory, University of Chicago
Classification: Likely pathogenic. Last evaluated: 2022-06-02. Review status: no assertion criteria provided. Collection method: clinical testing. Allele origin: germline. Affected: yes. Not counted in ClinVar's aggregate classification.
Comment: DNA sequence analysis of the PKHD1 gene demonstrated a sequence change, c.5830G>A, in exon 36 that results in an amino acid change, p.Asp1944Asn. The p.Asp1944Asn change affects a highly conserved amino acid residue located in a domain of the PKHD1 protein that is known to be functional. In-silico pathogenicity prediction tools (SIFT, PolyPhen2, Align GVGD, REVEL) provide contradictory results for the p.Asp1944Asn substitution. This sequence change has been described in the literature in individuals with PKHD1 polycystic kidney disease (PMID: 26673778, 27225849). This sequence change has been described in the gnomAD database with a frequency of 0.012% in the African/African American subpopulation (dbSNP rs774290802). Based on these evidences, this sequence change is classified as likely pathogenic, however functional studies have not been performed to prove this conclusively.

Sydney Genome Diagnostics, Children's Hospital Westmead
Classification: Uncertain significance for Autosomal recessive polycystic kidney disease. Last evaluated: 2018-04-17. Review status: no assertion criteria provided. Collection method: clinical testing. Allele origin: unknown. Affected: yes. Observed: 1 variant allele, 1 compound heterozygote. Not counted in ClinVar's aggregate classification.
Comment: c.5830G>A (p.Asp1944Asn) has been listed in the ExAC database with a very low allele frequency 0.0016% (2 out of 121,244 alleles). To our knowledge, this variant has not been previously reported in the literature or any variant databases associated with disease. p.Asp1944 is a moderately conserved amino acid (up to 15 species). In silico analysis of pathogenicity (through Alamut Visual v2.8) is inconclusive regarding this change; SIFT predicts this variant to be tolerated whereas PolyPhen2 & Mutation Taster predict that this variant is likely to be pathogenic. This variant is considered to be a variant of uncertain clinical significance (VOUS) according to the ACMG guidelines.

Literature cited by the submitters: PubMed 26673778 (cited by 5 submitters); PubMed 27225849 (cited by 5 submitters); PubMed 26139440 (cited by Dasa); PubMed 33940108 (cited by Dasa and Mayo Clinic Laboratories, Mayo Clinic).